The following is an entry in ClinVar:

ClinVar aggregate classification (germline): Pathogenic/Likely pathogenic. Review status: criteria provided, multiple submitters, no conflicts (2 of 4 stars). 7 submissions from 7 submitters: Pathogenic (4); Likely pathogenic (2). 1 of the submissions does not count toward it. Last evaluated 2025-10-22.

Conditions:
CD46-related disorders.
Atypical hemolytic-uremic syndrome. Identifiers: Orphanet 2134, MedGen C2931788, MONDO:0016244.
Atypical hemolytic-uremic syndrome with MCP/CD46 anomaly. Also called: HEMOLYTIC UREMIC SYNDROME, ATYPICAL, SUSCEPTIBILITY TO, 2; AHUS, SUSCEPTIBILITY TO, 2. Identifiers: Orphanet 2134, MedGen C2752040, MONDO:0013040, OMIM 612922.

Allele frequency attached by ClinVar (database versions not stated): gnomAD 0.00001; gnomAD exomes 0.00001; TOPMed 0.00002.
gnomAD v4.1: 19 of 1,613,684 alleles (0.0012%); highest among the groups gnomAD compares: Admixed American, 0.0067%; no homozygotes.

Submissions (7):

Variantyx, Inc.
Classification: Likely pathogenic for Atypical hemolytic-uremic syndrome with MCP/CD46 anomaly. Last evaluated: 2025-10-22. Review status: criteria provided, single submitter. Criteria: Variantyx Assertion Criteria 2022. Collection method: clinical testing. Allele origin: germline. Inheritance: Autosomal dominant inheritance. Affected: yes.
Comment: This is a nonsense variant in the CD46 gene (OMIM: 120920). Pathogenic variants in this gene have been associated with autosomal semidominant atypical hemolytic-uremic syndrome. This variant introduces a premature termination codon in exon 2 out of 13. and is expected to result in loss of function, which is a known disease mechanism for CD46 in this disorder (PMID: 16621965, 16762990) (PVS1). This variant has been reported in the heterozygous state in at least one affected individual (PMID:23780777). Additionally, it has been identified in the compound heterozygous state in at least one individual reported in the published literature (PMID: 16621965). This variant has a 0.0067% maximum allele frequency in non-founder control populations (PM2). Based on the current evidence, this variant is classified as pathogenic for autosomal semidominant atypical hemolytic-uremic syndrome.

Genomenon, Inc
Classification: Pathogenic for Atypical hemolytic-uremic syndrome. Last evaluated: 2025-10-02. Review status: criteria provided, single submitter. Criteria: Genomenon Sequence Variant Interpretation Standards. Collection method: curation. Allele origin: germline. Affected: yes.
Comment: CD46 p.Arg59Ter (c.175C>T) is a nonsense variant that introduces a premature stop codon at amino acid position 59, creating a truncated protein that is predicted to undergo nonsense-mediated mRNA decay. This variant has been observed in at least one proband affected with atypical hemolytic-uremic syndrome (PMID:27799617;16621965;16762990;33188793;33048203;38317858;26559391;23780777;30916388). The variant was found to segregate with disease in at least one affected family (PMID:16621965). It is absent or not present at a significant frequency in gnomAD. In conclusion, we classify CD46 p.Arg59Ter (c.175C>T) as a pathogenic variant.

Labcorp Genetics (formerly Invitae), Labcorp
Classification: Pathogenic. Last evaluated: 2024-12-04. Review status: criteria provided, single submitter. Criteria: Invitae Variant Classification Sherloc (09022015). Collection method: clinical testing. Allele origin: germline.
Comment: This sequence change creates a premature translational stop signal (p.Arg59*) in the CD46 gene. It is expected to result in an absent or disrupted protein product. Loss-of-function variants in CD46 are known to be pathogenic (PMID: 16621965, 23431077). This variant is present in population databases (rs121909590, gnomAD 0.009%). This premature translational stop signal has been observed in individual(s) with hemolytic uremic syndrome (PMID: 16621965, 23780777, 34169201). This variant is also known as R25Stop. ClinVar contains an entry for this variant (Variation ID: 17048). For these reasons, this variant has been classified as Pathogenic.

Mayo Clinic Laboratories, Mayo Clinic
Classification: Pathogenic. Last evaluated: 2024-05-31. Review status: criteria provided, single submitter. Criteria: ACMG Guidelines, 2015. Collection method: clinical testing. Allele origin: germline.
Comment: PP1, PS3_moderate, PS4, PVS1

Blueprint Genetics
Classification: Pathogenic for CD46-related disorders. Last evaluated: 2022-06-13. Review status: criteria provided, single submitter. Criteria: ACMG Guidelines, 2015. Collection method: clinical testing. Allele origin: germline. Affected: yes. Observed: 1 variant allele.

Genetics and Genomic Medicine Centre, NeuroGen Healthcare, NeuroGen Healthcare
Classification: Likely pathogenic for Atypical hemolytic-uremic syndrome with MCP/CD46 anomaly. Last evaluated: 2022-01-15. Review status: criteria provided, single submitter. Criteria: Submitter's publication. Collection method: clinical testing. Allele origin: unknown. Affected: no.

OMIM
Classification: risk factor for HEMOLYTIC UREMIC SYNDROME, ATYPICAL, SUSCEPTIBILITY TO, 2. Last evaluated: 2006-08-15. Review status: no assertion criteria provided. Collection method: literature only. Allele origin: germline. Not counted in ClinVar's aggregate classification.

Literature cited by the submitters: PubMed 16621965 (cited by 5 submitters); PubMed 16762990 (cited by 3 submitters); PubMed 27799617 (cited by Genomenon, Inc); PubMed 33188793 (cited by Genomenon, Inc); PubMed 33048203 (cited by Genomenon, Inc); PubMed 38317858 (cited by Genomenon, Inc); PubMed 26559391 (cited by Genomenon, Inc); PubMed 23780777 (cited by 3 submitters); PubMed 30916388 (cited by Genomenon, Inc); PubMed 23431077 (cited by Labcorp Genetics (formerly Invitae), Labcorp and Mayo Clinic Laboratories, Mayo Clinic); PubMed 34169201 (cited by Labcorp Genetics (formerly Invitae), Labcorp and Mayo Clinic Laboratories, Mayo Clinic); PubMed 20059470 (cited by Mayo Clinic Laboratories, Mayo Clinic); PubMed 29500241 (cited by Mayo Clinic Laboratories, Mayo Clinic).

NM_172351.3(CD46):c.175C>T (p.Arg59Ter)

Gene: CD46 (CD46 molecule; plus strand). Cytogenetic location: 1q32.2.
Variant type: single nucleotide variant.
Coding change: c.175C>T on transcript NM_172351.3 (MANE Select); coding-DNA position 175, C replaced by T.
Protein change: p.Arg59Ter; replaces arginine 59 with a stop codon.
Molecular consequence: nonsense.
Genome position (GRCh38, 1-based): chr1:207,757,091, C>T. VCF-style: chr1-207757091-C-T. GRCh37 (hg19) VCF-style: chr1-207930436-C-T.
Other names: R25*; c.175C>T, p.Arg59Ter (LRG_155t1, NM_002389.4, NM_153826.4 and 9 more transcripts); short protein forms R59*.
Identifiers: ClinVar variation 17048 (VCV000017048.16), dbSNP rs121909590, ClinGen allele CA257686.
Genomic context (GRCh38, chr1:207,757,091, plus strand): 5'-CCAACATTTGAAGCTATGGAGCTCATTGGTAAACCAAAACCCTACTATGAGATTGGTGAA[C>T]GAGTAGATTATAAGTGTAAAAAAGGATACTTCTATATACCTCCTCTTGCCACCCATACTA-3'